The following is an entry in ClinVar:

NM_005012.4(ROR1):c.1045G>A (p.Ala349Thr)

Gene: ROR1 (receptor tyrosine kinase like orphan receptor 1; plus strand). Cytogenetic location: 1p31.3.
Variant type: single nucleotide variant.
Coding change: c.1045G>A on transcript NM_005012.4 (MANE Select); coding-DNA position 1045, G replaced by A.
Protein change: p.Ala349Thr; replaces alanine 349 with threonine.
Molecular consequence: missense variant.
Genome position (GRCh38, 1-based): chr1:64,142,521, G>A. VCF-style: chr1-64142521-G-A. GRCh37 (hg19) VCF-style: chr1-64608204-G-A.
Other names: c.1045G>A, p.Ala349Thr (NM_001083592.2); short protein forms A349T.
Identifiers: ClinVar variation 1434191 (VCV001434191.6), dbSNP rs147878288, ClinGen allele CA890202.

ClinVar aggregate classification (germline): Uncertain significance (1 of 4 stars; one submission).

Allele frequency attached by ClinVar (database versions not stated): ExAC 0.00013; gnomAD 0.00013; ESP Exome Variant Server 0.00015; 1000 Genomes Project 30x 0.00016; 1000 Genomes Project 0.00020.
gnomAD v4.1: 183 of 1,614,086 alleles (0.011%); highest among the groups gnomAD compares: Middle Eastern, 0.016%; no homozygotes.

Submission:

Labcorp Genetics (formerly Invitae), Labcorp
Classification: Uncertain significance. Last evaluated: 2025-09-15. Review status: criteria provided, single submitter. Criteria: Invitae Variant Classification Sherloc (09022015). Collection method: clinical testing. Allele origin: germline.
Comment: This sequence change replaces alanine, which is neutral and non-polar, with threonine, which is neutral and polar, at codon 349 of the ROR1 protein (p.Ala349Thr). This variant is present in population databases (rs147878288, gnomAD 0.02%). This variant has not been reported in the literature in individuals affected with ROR1-related conditions. ClinVar contains an entry for this variant (Variation ID: 1434191). Invitae Evidence Modeling of protein sequence and biophysical properties (such as structural, functional, and spatial information, amino acid conservation, physicochemical variation, residue mobility, and thermodynamic stability) indicates that this missense variant is not expected to disrupt ROR1 protein function with a negative predictive value of 80%. In summary, the available evidence is currently insufficient to determine the role of this variant in disease. Therefore, it has been classified as a Variant of Uncertain Significance.